The following is an entry in ClinVar:

ClinVar aggregate classification (germline): Conflicting classifications of pathogenicity. Review status: criteria provided, conflicting classifications (1 of 4 stars). 3 submissions from 3 submitters: Uncertain significance (2); Likely benign (1). Last evaluated 2026-04-23.

Conditions:
AHI1-related disorder. Also called: AHI1-related condition.
Inborn genetic diseases. Identifiers: MedGen C0950123, MeSH D030342.
Joubert syndrome. Also called: Familial aplasia of the vermis; JOUBERT-BOLTSHAUSER SYNDROME. Identifiers: Orphanet 475, MedGen C5979921, MONDO:0018772.

Allele frequency attached by ClinVar (database versions not stated): gnomAD exomes below 0.00001 and 0.00001; gnomAD 0.00001; TOPMed 0.00001.
gnomAD v4.1: 10 of 1,612,932 alleles (0.00062%); highest among the groups gnomAD compares: Non-Finnish European, 0.00085%; no homozygotes.

Submissions (3):

PreventionGenetics, part of Exact Sciences
Classification: Uncertain significance for AHI1-related condition. Last evaluated: 2026-04-23. Review status: criteria provided, single submitter. Criteria: ACMG Guidelines, 2015. Collection method: clinical testing. Allele origin: germline.
Comment: The AHI1 c.2129G>A variant is predicted to result in the amino acid substitution p.Arg710Lys. To our knowledge, this variant has not been reported in the literature. This variant is reported in 0.00089% of alleles in individuals of European (Non-Finnish) descent in gnomAD. At this time, the clinical significance of this variant is uncertain due to the absence of conclusive functional and genetic evidence.

Ambry Genetics
Classification: Likely benign for Inborn genetic diseases. Last evaluated: 2025-02-22. Review status: criteria provided, single submitter. Criteria: Ambry Variant Classification Scheme 2023. Collection method: clinical testing. Allele origin: germline.

Labcorp Genetics (formerly Invitae), Labcorp
Classification: Uncertain significance for Joubert syndrome. Last evaluated: 2021-08-14. Review status: criteria provided, single submitter. Criteria: Invitae Variant Classification Sherloc (09022015). Collection method: clinical testing. Allele origin: germline.
Comment: This sequence change replaces arginine with lysine at codon 710 of the AHI1 protein (p.Arg710Lys). The arginine residue is weakly conserved and there is a small physicochemical difference between arginine and lysine. This variant is not present in population databases (ExAC no frequency). This variant has not been reported in the literature in individuals affected with AHI1-related conditions. Advanced modeling of protein sequence and biophysical properties (such as structural, functional, and spatial information, amino acid conservation, physicochemical variation, residue mobility, and thermodynamic stability) performed at Invitae indicates that this missense variant is not expected to disrupt AHI1 protein function. In summary, the available evidence is currently insufficient to determine the role of this variant in disease. Therefore, it has been classified as a Variant of Uncertain Significance.

NM_001134831.2(AHI1):c.2129G>A (p.Arg710Lys)

Gene: AHI1 (Abelson helper integration site 1; minus strand). Cytogenetic location: 6q23.3.
Variant type: single nucleotide variant.
Coding change: c.2129G>A on transcript NM_001134831.2 (MANE Select); coding-DNA position 2129, G replaced by A.
Protein change: p.Arg710Lys; replaces arginine 710 with lysine.
Molecular consequence: missense variant.
Genome position (GRCh38, 1-based): chr6:135,433,164, C>T on the plus strand (G>A on the coding strand, the complement: AHI1 is on the minus strand). VCF-style: chr6-135433164-C-T. GRCh37 (hg19) VCF-style: chr6-135754302-C-T.
Other names: c.2129G>A (NM_017651.4); c.2129G>A, p.Arg710Lys (NM_001134830.2, NM_001134832.2, NM_001350503.2 and 2 more transcripts); short protein forms R710K.
Identifiers: ClinVar variation 1504091 (VCV001504091.7), dbSNP rs1352407748, ClinGen allele CA365743651.
Genomic context (GRCh38, chr6:135,433,164, plus strand): 5'-CTCATCTCAACTTTCCATATCCGTATCATGGAATCATAGCATCCTGTAACTACTAGCTCT[C>T]TTACAGCTGGATGGAATTTAGCCGTGTAAACAAAAGAAGGATGAGGTAAAACTCTGAAAG-3'
Protein context (NP_001128303.1, residues 700-720): VYTAKFHPAV[Arg710Lys]ELVVTGCYDS